The following is an entry in ClinVar:

ClinVar aggregate classification (germline): Uncertain significance (1 of 4 stars; one submission).

gnomAD v4.1: 1 of 1,613,668 alleles (0.000062%); no homozygotes.

Submission:

GeneDx
Classification: Uncertain significance. Last evaluated: 2024-07-26. Review status: criteria provided, single submitter. Criteria: GeneDx Variant Classification Process June 2021. Collection method: clinical testing. Allele origin: germline. Affected: yes.
Comment: Nonsense variant predicted to result in protein truncation or nonsense mediated decay in a gene or region of a gene for which loss of function is not a well-established mechanism of disease; Has not been previously published as pathogenic or benign to our knowledge

NM_021072.4(HCN1):c.1528A>T (p.Lys510Ter)

Gene: HCN1 (hyperpolarization activated cyclic nucleotide gated potassium channel 1; minus strand). Cytogenetic location: 5p12.
Variant type: single nucleotide variant.
Coding change: c.1528A>T on transcript NM_021072.4 (MANE Select); coding-DNA position 1528, A replaced by T.
Protein change: p.Lys510Ter; replaces lysine 510 with a stop codon.
Molecular consequence: nonsense.
Genome position (GRCh38, 1-based): chr5:45,303,689, T>A on the plus strand (A>T on the coding strand, the complement: HCN1 is on the minus strand). VCF-style: chr5-45303689-T-A. GRCh37 (hg19) VCF-style: chr5-45303791-T-A.
Other names: short protein forms K510*.
Identifiers: ClinVar variation 3602313 (VCV003602313.1).
Genomic context (GRCh38, chr5:45,303,689, plus strand): 5'-TTTCTTTACTGGATTTTGTAATGACACCAGCAACACCGTGTTGAATGAAATACATTTTTT[T>A]ACCCACGGCTCCTTCTCGTATGATATAATCTCCAGGTTGAAACACCTCAAATCTCAACTT-3'